The following is an entry in ClinVar:

NM_144573.4(NEXN):c.1112C>T (p.Pro371Leu)

Gene: NEXN (nexilin F-actin binding protein; plus strand). Cytogenetic location: 1p31.1.
Variant type: single nucleotide variant.
Coding change: c.1112C>T on transcript NM_144573.4 (MANE Select); coding-DNA position 1112, C replaced by T.
Protein change: p.Pro371Leu; replaces proline 371 with leucine.
Molecular consequence: missense variant.
Genome position (GRCh38, 1-based): chr1:77,933,340, C>T. VCF-style: chr1-77933340-C-T. GRCh37 (hg19) VCF-style: chr1-78399025-C-T.
Other names: p.P371L:CCG>CTG; c.920C>T, p.Pro307Leu (NM_001172309.2); short protein forms P371L, P307L.
Identifiers: ClinVar variation 47887 (VCV000047887.28), dbSNP rs200067011, ClinGen allele CA142104.

ClinVar aggregate classification (germline): Uncertain significance. Review status: criteria provided, multiple submitters, no conflicts (2 of 4 stars). 13 submissions from 13 submitters: Uncertain significance (10). 3 of the submissions do not count toward it. Last evaluated 2026-09-01.

Conditions:
Cardiovascular phenotype. Identifiers: MedGen CN230736.
NEXN-related disorder. Also called: NEXN-related disorders; NEXN-related condition.
Primary dilated cardiomyopathy (DCM). Also called: Dilated Cardiomyopathy. Identifiers: Orphanet 217604, MedGen C0007193, MeSH D002311, MONDO:0005021, HP:0001644. Inheritance: Various modes of inheritance.
Dilated cardiomyopathy 1CC (CMD1CC). Identifiers: Orphanet 154, MedGen C2751084, MONDO:0013147, OMIM 613122.
Hypertrophic cardiomyopathy 20. Identifiers: MedGen C3151267, MONDO:0013477, OMIM 613876.
Cardiomyopathy (CMYO). Also called: Cardiomyopathies. Identifiers: Orphanet 167848, MedGen C0878544, MONDO:0004994, HP:0001638. Inheritance: Various modes of inheritance.

Allele frequency attached by ClinVar (database versions not stated): TOPMed 0.00005; 1000 Genomes Project 30x 0.00016; 1000 Genomes Project 0.00020; ExAC 0.00006.
gnomAD v4.1: 207 of 1,609,330 alleles (0.013%); highest among the groups gnomAD compares: South Asian, 0.018%; 1 homozygote.

Submissions (13):

Ambry Genetics
Classification: Uncertain significance for Cardiovascular phenotype. Last evaluated: 2026-09-01. Review status: criteria provided, single submitter. Criteria: Ambry Variant Classification Scheme 2023. Collection method: clinical testing. Allele origin: germline.

PreventionGenetics, part of Exact Sciences
Classification: Uncertain significance for NEXN-related condition. Last evaluated: 2026-04-24. Review status: criteria provided, single submitter. Criteria: ACMG Guidelines, 2015. Collection method: clinical testing. Allele origin: germline.
Comment: The NEXN c.1112C>T variant is predicted to result in the amino acid substitution p.Pro371Leu. This variant has been reported in one individual with hypertrophic cardiomyopathy (Table S1B, Walsh et al. 2017. PubMed ID: 27532257), in one individual with dilated cardiomyopathy and in a healthy control (Tables S3 and S4, Mazzarotto et al. 2020. PubMed ID: 31983221), and in one sudden unexplained death case (Arava et al. 2025. PubMed ID: 40617375). This variant is reported in 0.012% of alleles in individuals of European (Non-Finnish) descent in gnomAD. At this time, the clinical significance of this variant is uncertain due to the absence of conclusive functional and genetic evidence.

GeneDx
Classification: Uncertain significance. Last evaluated: 2025-08-25. Review status: criteria provided, single submitter. Criteria: GeneDx Variant Classification Process June 2021. Collection method: clinical testing. Allele origin: germline. Affected: yes.
Comment: In silico analysis supports that this missense variant has a deleterious effect on protein structure/function; Reported in association with HCM and DCM in published literature (PMID: 31983221, 27532257); This variant is associated with the following publications: (PMID: 27532257, 31983221)

Blueprint Genetics
Classification: Uncertain significance. Last evaluated: 2024-07-10. Review status: criteria provided, single submitter. Criteria: ACMG Guidelines, 2015. Collection method: clinical testing. Allele origin: germline.

Molecular Genetics, Royal Melbourne Hospital
Classification: Uncertain significance for Primary dilated cardiomyopathy. Last evaluated: 2023-08-01. Review status: criteria provided, single submitter. Criteria: ACMG Guidelines, 2015. Collection method: clinical testing. Allele origin: germline. Inheritance: Autosomal dominant inheritance. Affected: yes.
Comment: This sequence change in NEXN is predicted to replace proline with leucine at codon 371, p.(Pro371Leu). The proline residue is highly conserved (100 vertebrates, UCSC), and is not located in an annotated domain. There is a moderate physicochemical difference between proline and leucine. The highest population minor allele frequency in the population database gnomAD v2.1 is 0.01% (13/112594 alleles) in the European (non-Finnish) population. This variant has been reported in at least one individual with dilated cardiomyopathy but was also identified in a healthy control in the same study (PMID: 31983221). Computational evidence is uninformative for the missense substitution (REVEL = 0.519). Based on the classification scheme RMH Modified ACMG Guidelines v1.6.1, this variant is classified as a VARIANT OF UNCERTAIN SIGNIFICANCE. Following criteria are met: none.

Labcorp Genetics (formerly Invitae), Labcorp
Classification: Uncertain significance for Dilated cardiomyopathy 1CC; Hypertrophic cardiomyopathy 20. Last evaluated: 2022-10-13. Review status: criteria provided, single submitter. Criteria: Invitae Variant Classification Sherloc (09022015). Collection method: clinical testing. Allele origin: germline.
Comment: This sequence change replaces proline, which is neutral and non-polar, with leucine, which is neutral and non-polar, at codon 371 of the NEXN protein (p.Pro371Leu). This variant is present in population databases (rs200067011, gnomAD 0.01%). This missense change has been observed in individual(s) with dilated cardiomyopathy and/or hypertrophic cardiomyopathy (PMID: 27532257, 31983221). ClinVar contains an entry for this variant (Variation ID: 47887). Advanced modeling of protein sequence and biophysical properties (such as structural, functional, and spatial information, amino acid conservation, physicochemical variation, residue mobility, and thermodynamic stability) performed at Invitae indicates that this missense variant is not expected to disrupt NEXN protein function. In summary, the available evidence is currently insufficient to determine the role of this variant in disease. Therefore, it has been classified as a Variant of Uncertain Significance.

Fulgent Genetics
Classification: Uncertain significance for Dilated cardiomyopathy 1CC; Hypertrophic cardiomyopathy 20. Last evaluated: 2021-10-29. Review status: criteria provided, single submitter. Criteria: ACMG Guidelines, 2015. Collection method: clinical testing. Allele origin: unknown.

CHEO Genetics Diagnostic Laboratory, Children's Hospital of Eastern Ontario
Classification: Uncertain significance for Cardiomyopathy. Last evaluated: 2019-11-11. Review status: criteria provided, single submitter. Criteria: ACMG Guidelines, 2015. Collection method: clinical testing. Allele origin: germline.

Institute of Human Genetics, University of Leipzig Medical Center
Classification: Uncertain significance for Hypertrophic cardiomyopathy 20. Last evaluated: 2018-03-29. Review status: criteria provided, single submitter. Criteria: ACMG Guidelines, 2015. Collection method: clinical testing. Allele origin: germline. Affected: yes. Observed: 1 variant allele.

Laboratory for Molecular Medicine, Mass General Brigham Personalized Medicine
Classification: Uncertain significance. Last evaluated: 2012-02-13. Review status: criteria provided, single submitter. Criteria: LMM Criteria. Collection method: clinical testing. Allele origin: germline. Observed: 1 variant allele.
Comment: The Pro371Leu variant (NEXN) has not been reported in the literature nor previou sly identified by our laboratory. Computational analyses (biochemical amino acid properties, conservation, AlignGVGD, PolyPhen2, and SIFT) do not provide strong support for or against an impact to the protein. Additional information is need ed to fully assess the clinical significance of the Pro371Leu variant.

Clinical Genetics, Academic Medical Center
Classification: Uncertain significance. Review status: no assertion criteria provided. Collection method: clinical testing. Allele origin: germline. Affected: yes. Study: VKGL Data-share Consensus. Not counted in ClinVar's aggregate classification.

Diagnostic Laboratory, Department of Genetics, University Medical Center Groningen
Classification: Uncertain significance. Review status: no assertion criteria provided. Collection method: clinical testing. Allele origin: germline. Affected: yes. Study: VKGL Data-share Consensus. Not counted in ClinVar's aggregate classification.

Genome Diagnostics Laboratory, University Medical Center Utrecht
Classification: Uncertain significance. Review status: no assertion criteria provided. Collection method: clinical testing. Allele origin: germline. Affected: yes. Study: VKGL Data-share Consensus. Not counted in ClinVar's aggregate classification.

Literature cited by the submitters: PubMed 31983221 (cited by Molecular Genetics, Royal Melbourne Hospital and Labcorp Genetics (formerly Invitae), Labcorp); PubMed 27532257 (cited by Labcorp Genetics (formerly Invitae), Labcorp).